The following is an entry in ClinVar:

NM_000243.3(MEFV):c.786T>C (p.Thr262=)

Gene: MEFV (MEFV innate immunity regulator, pyrin; minus strand). Cytogenetic location: 16p13.3.
Variant type: single nucleotide variant.
Coding change: c.786T>C on transcript NM_000243.3 (MANE Select); coding-DNA position 786, T replaced by C.
Protein change: p.Thr262=; no amino-acid change (threonine 262 retained).
Molecular consequence: synonymous variant. On other transcripts: intron variant (1).
Genome position (GRCh38, 1-based): chr16:3,254,282, A>G on the plus strand (T>C on the coding strand, the complement: MEFV is on the minus strand). VCF-style: chr16-3254282-A-G. GRCh37 (hg19) VCF-style: chr16-3304282-A-G.
Other names: c.277+2029T>C (NM_001198536.2).
Identifiers: ClinVar variation 439887 (VCV000439887.21), dbSNP rs575521131, ClinGen allele CA7860330.

ClinVar aggregate classification (germline): Conflicting classifications of pathogenicity. Review status: criteria provided, conflicting classifications (1 of 4 stars). 7 submissions from 5 submitters: Uncertain significance (1); Likely benign (6). Last evaluated 2025-07-31.

Conditions:
Familial Mediterranean fever, autosomal dominant. Also called: Dominant Familial Mediterranean Fever; FMF, AUTOSOMAL DOMINANT. Identifiers: Orphanet 342, MedGen C1851347, MONDO:0007601, OMIM 134610.
Familial Mediterranean fever (FMF). Also called: Periodic peritonitis; Benign paroxysmal peritonitis; POLYSEROSITIS, FAMILIAL PAROXYSMAL; POLYSEROSITIS, RECURRENT. Identifiers: Orphanet 342, MedGen C0031069, MONDO:0018088, OMIM 249100. Disease mechanism: gain of function.
Acute febrile neutrophilic dermatosis (AFND). Also called: Gomm Button disease; Sweet Syndrome. Identifiers: Orphanet 3243, MedGen C0085077, MONDO:0011959, OMIM 608068.

Allele frequency attached by ClinVar (database versions not stated): gnomAD exomes 0.00001 and below 0.00001; ExAC 0.00002; gnomAD 0.00002 and 0.00001; TOPMed 0.00002; 1000 Genomes Project 30x 0.00016; 1000 Genomes Project 0.00020.

Submissions (7):

Labcorp Genetics (formerly Invitae), Labcorp
Classification: Likely benign for Familial Mediterranean fever. Last evaluated: 2025-07-31. Review status: criteria provided, single submitter. Criteria: Invitae Variant Classification Sherloc (09022015). Collection method: clinical testing. Allele origin: germline.

Blueprint Genetics
Classification: Likely benign. Last evaluated: 2024-08-23. Review status: criteria provided, single submitter. Criteria: ACMG Guidelines, 2015. Collection method: clinical testing. Allele origin: germline.

Genome-Nilou Lab
Classification: Uncertain significance for Familial Mediterranean fever. Last evaluated: 2023-02-08. Review status: criteria provided, single submitter. Criteria: ACMG Guidelines, 2015. Collection method: clinical testing. Allele origin: germline.

Genome-Nilou Lab
Classification: Likely benign for Familial Mediterranean fever, autosomal dominant. Last evaluated: 2023-02-08. Review status: criteria provided, single submitter. Criteria: ACMG Guidelines, 2015. Collection method: clinical testing. Allele origin: germline.

Genome-Nilou Lab
Classification: Likely benign for Acute febrile neutrophilic dermatosis. Last evaluated: 2023-02-08. Review status: criteria provided, single submitter. Criteria: ACMG Guidelines, 2015. Collection method: clinical testing. Allele origin: germline.

GeneDx
Classification: Likely benign. Last evaluated: 2019-12-04. Review status: criteria provided, single submitter. Criteria: GeneDx Variant Classification Process June 2021. Collection method: clinical testing. Allele origin: germline. Affected: yes.

ARUP Laboratories, Molecular Genetics and Genomics, ARUP Laboratories
Classification: Likely benign. Last evaluated: 2017-05-09. Review status: criteria provided, single submitter. Criteria: ARUP Molecular Germline Variant Investigation Process. Collection method: clinical testing. Allele origin: germline.
Comment: The MEFV c.786T>C;p.Thr262Thr variant has not been published in the literature or listed in the ClinVar database. The variant is listed in the dbSNP variant database (rs575521131) with an allele frequency of 0.0008122 percent (2/246230 alleles) in the Genome Aggregation Database. This is a silent variant, the nucleotide at this position is weakly conserved across species and computational algorithms (SpliceSiteFinder-like, MaxEntScan, NNSplice, GeneSplicer, Human Splicing Finder) predict no significant change to splicing. Considering all available information, this variant is classified as likely benign.